The following is an entry in ClinVar:

NM_001429.4(EP300):c.1316A>G (p.Asn439Ser)

Gene: EP300 (EP300 lysine acetyltransferase; plus strand). Cytogenetic location: 22q13.2.
Variant type: single nucleotide variant.
Coding change: c.1316A>G on transcript NM_001429.4 (MANE Select); coding-DNA position 1316, A replaced by G.
Protein change: p.Asn439Ser; replaces asparagine 439 with serine.
Molecular consequence: missense variant.
Genome position (GRCh38, 1-based): chr22:41,131,421, A>G. VCF-style: chr22-41131421-A-G. GRCh37 (hg19) VCF-style: chr22-41527425-A-G.
Other names: c.1316A>G, p.Asn439Ser (NM_001362843.2); short protein forms N439S.
Identifiers: ClinVar variation 578386 (VCV000578386.10), dbSNP rs746628829, ClinGen allele CA10252488.

ClinVar aggregate classification (germline): Conflicting classifications of pathogenicity. Review status: criteria provided, conflicting classifications (1 of 4 stars). 2 submissions from 2 submitters: Uncertain significance (1); Likely benign (1). Last evaluated 2025-09-22.

Conditions:
Rubinstein-Taybi syndrome due to EP300 haploinsufficiency. Also called: EP300-Related Rubinstein-Taybi Syndrome; RUBINSTEIN-TAYBI SYNDROME 2. Identifiers: Orphanet 353284, Orphanet 783, MedGen C3150941, MONDO:0013364, OMIM 613684.
EP300-related disorder. Also called: EP300-related condition; EP300-related disorders.

Allele frequency attached by ClinVar (database versions not stated): gnomAD 0.00001; gnomAD exomes 0.00001; ExAC 0.00002; TOPMed 0.00002.
gnomAD v4.1: 12 of 1,613,950 alleles (0.00074%); highest among the groups gnomAD compares: Middle Eastern, 0.017%; no homozygotes.

Submissions (2):

PreventionGenetics, part of Exact Sciences
Classification: Uncertain significance for EP300-related condition. Last evaluated: 2025-09-22. Review status: criteria provided, single submitter. Criteria: ACMG Guidelines, 2015. Collection method: clinical testing. Allele origin: germline.
Comment: The EP300 c.1316A>G variant is predicted to result in the amino acid substitution p.Asn439Ser. To our knowledge, this variant has not been reported in the literature. This variant is reported in 0.0031% of alleles in individuals of European (Non-Finnish) descent in gnomAD. At this time, the clinical significance of this variant is uncertain due to the absence of conclusive functional and genetic evidence.

Labcorp Genetics (formerly Invitae), Labcorp
Classification: Likely benign for Rubinstein-Taybi syndrome due to EP300 haploinsufficiency. Last evaluated: 2020-02-19. Review status: criteria provided, single submitter. Criteria: Invitae Variant Classification Sherloc (09022015). Collection method: clinical testing. Allele origin: germline.